The following is an entry in ClinVar:

ClinVar aggregate classification (germline): Uncertain significance (1 of 4 stars; one submission).

Conditions:
Purine-nucleoside phosphorylase deficiency. Also called: Immunodeficiency due to purine nucleoside phosphorylase deficiency; NUCLEOSIDE PHOSPHORYLASE DEFICIENCY. Identifiers: Orphanet 760, MedGen C0268125, MONDO:0013171, OMIM 613179.

Submission:

Labcorp Genetics (formerly Invitae), Labcorp
Classification: Uncertain significance for Purine-nucleoside phosphorylase deficiency. Last evaluated: 2022-06-18. Review status: criteria provided, single submitter. Criteria: Invitae Variant Classification Sherloc (09022015). Collection method: clinical testing. Allele origin: germline.
Comment: This sequence change replaces isoleucine, which is neutral and non-polar, with threonine, which is neutral and polar, at codon 129 of the PNP protein (p.Ile129Thr). In summary, the available evidence is currently insufficient to determine the role of this variant in disease. Therefore, it has been classified as a Variant of Uncertain Significance. Algorithms developed to predict the effect of missense changes on protein structure and function are either unavailable or do not agree on the potential impact of this missense change (SIFT: "Deleterious"; PolyPhen-2: "Probably Damaging"; Align-GVGD: "Class C0"). This variant has not been reported in the literature in individuals affected with PNP-related conditions. This variant is not present in population databases (gnomAD no frequency).

NM_000270.4(PNP):c.386T>C (p.Ile129Thr)

Gene: PNP (purine nucleoside phosphorylase; plus strand). Cytogenetic location: 14q11.2.
Variant type: single nucleotide variant.
Coding change: c.386T>C on transcript NM_000270.4 (MANE Select); coding-DNA position 386, T replaced by C.
Protein change: p.Ile129Thr; replaces isoleucine 129 with threonine.
Molecular consequence: missense variant.
Genome position (GRCh38, 1-based): chr14:20,474,873, T>C. VCF-style: chr14-20474873-T-C. GRCh37 (hg19) VCF-style: chr14-20943032-T-C.
Other names: short protein forms I129T.
Identifiers: ClinVar variation 2005823 (VCV002005823.4), dbSNP rs2501834254, ClinGen allele CA389145281.